The following is an entry in ClinVar:

NM_015631.6(TCTN3):c.853-2A>G

Gene: TCTN3 (tectonic family member 3; minus strand). Cytogenetic location: 10q24.1.
Variant type: single nucleotide variant.
Coding change: c.853-2A>G on transcript NM_015631.6 (MANE Select); the canonical splice acceptor site of the intron before coding-DNA position 853, A replaced by G.
Molecular consequence: splice acceptor variant.
Genome position (GRCh38, 1-based): chr10:95,686,532, T>C on the plus strand (A>G on the coding strand, the complement: TCTN3 is on the minus strand). VCF-style: chr10-95686532-T-C. GRCh37 (hg19) VCF-style: chr10-97446289-T-C.
Other names: c.616-2A>G (NM_001143973.2); c.853-2A>G (NM_001410982.1).
Identifiers: ClinVar variation 2934916 (VCV002934916.3), dbSNP rs1174698466, ClinGen allele CA377706478.
Genomic context (GRCh38, chr10:95,686,532, plus strand): 5'-TTCCTGGTACAACAGCATCATACCTCCATATTCTGTGGATCAGTCATGCTTCTTGGAACC[T>C]AGGAGAACAGCAGGGACATGAATGTGCATATACCTTACCAAAAATCACCAGGAGCTTGTG-3'

ClinVar aggregate classification (germline): Likely pathogenic (1 of 4 stars; one submission).

Conditions:
Joubert syndrome 18 (JBTS18). Identifiers: Orphanet 2754, MedGen C3553758, MONDO:0013896, OMIM 614815.
Orofacial-digital syndrome IV (OFD4). Also called: BARAITSER-BURN SYNDROME; OFD SYNDROME WITH TIBIAL DEFECTS; OFD SYNDROME, BARAITSER-BURN TYPE; OFDS IV; ORAL-FACIAL-DIGITAL SYNDROME, TYPE IV; Orofaciodigital syndrome IV. Identifiers: Orphanet 2753, MedGen C0406727, MONDO:0009794, OMIM 258860.

Allele frequency attached by ClinVar (database versions not stated): TOPMed below 0.00001; gnomAD 0.00003.
gnomAD v4.1: 4 of 1,613,960 alleles (0.00025%); highest among the groups gnomAD compares: Non-Finnish European, 0.00034%; no homozygotes.

Submission:

Labcorp Genetics (formerly Invitae), Labcorp
Classification: Likely pathogenic for Joubert syndrome 18; Orofacial-digital syndrome IV. Last evaluated: 2024-10-24. Review status: criteria provided, single submitter. Criteria: Invitae Variant Classification Sherloc (09022015). Collection method: clinical testing. Allele origin: germline.
Comment: This sequence change affects an acceptor splice site in intron 6 of the TCTN3 gene. It is expected to disrupt RNA splicing. Variants that disrupt the donor or acceptor splice site typically lead to a loss of protein function (PMID: 16199547), and loss-of-function variants in TCTN3 are known to be pathogenic (PMID: 2692869, 22883145, 25118024). This variant is present in population databases (no rsID available, gnomAD 0.03%). This variant has not been reported in the literature in individuals affected with TCTN3-related conditions. Algorithms developed to predict the effect of sequence changes on RNA splicing suggest that this variant may disrupt the consensus splice site. In summary, the currently available evidence indicates that the variant is pathogenic, but additional data are needed to prove that conclusively. Therefore, this variant has been classified as Likely Pathogenic.

Literature cited by the submitters: PubMed 16199547; PubMed 2692869; PubMed 22883145; PubMed 25118024.